The following is an entry in ClinVar:

NM_001365902.3(NFIX):c.49G>T (p.Glu17Ter)

Gene: NFIX (nuclear factor I X; plus strand). Cytogenetic location: 19p13.13.
Variant type: single nucleotide variant.
Coding change: c.49G>T on transcript NM_001365902.3 (MANE Select); coding-DNA position 49, G replaced by T.
Protein change: p.Glu17Ter; replaces glutamic acid 17 with a stop codon.
Molecular consequence: nonsense. On other transcripts: 5 prime UTR variant (1).
Genome position (GRCh38, 1-based): chr19:13,025,042, G>T. VCF-style: chr19-13025042-G-T. GRCh37 (hg19) VCF-style: chr19-13135856-G-T.
Other names: c.73G>T, p.Glu25Ter (NM_001271043.2); c.25G>T, p.Glu9Ter (NM_001271044.3, NM_001378404.1); c.49G>T, p.Glu17Ter (NM_001365982.2, NM_002501.4); c.-93G>T (NM_001365983.2); c.46G>T, p.Glu16Ter (NM_001365984.2, NM_001365985.2); c.97G>T, p.Glu33Ter (NM_001378405.1); short protein forms E16*, E17*, E25*, E33*, E9*.
Identifiers: ClinVar variation 1806657 (VCV001806657.1), dbSNP rs2512742471, ClinGen allele CA404312487.

ClinVar aggregate classification (germline): Pathogenic (1 of 4 stars; one submission).

Submission:

GeneDx
Classification: Pathogenic. Last evaluated: 2022-12-21. Review status: criteria provided, single submitter. Criteria: GeneDx Variant Classification Process June 2021. Collection method: clinical testing. Allele origin: germline. Affected: yes.
Comment: Nonsense variant predicted to result in protein truncation or nonsense mediated decay in a gene for which loss-of-function is a known mechanism of disease; Not observed in large population cohorts (gnomAD); This variant is associated with the following publications: (PMID: 28475857)